The following continues an entry in ClinVar:

NM_000552.5(VWF):c.3944G>A (p.Arg1315His)

Gene: VWF. ClinVar aggregate classification (germline): Likely pathogenic. Likely pathogenic (1).

Submissions 8 to 13 of 13:

ARUP Laboratories, Molecular Genetics and Genomics, ARUP Laboratories
Classification: Likely pathogenic. Last evaluated: 2024-09-26. Review status: criteria provided, single submitter. Criteria: ARUP Molecular Germline Variant Investigation Process 2024. Collection method: clinical testing. Allele origin: germline. Not counted in ClinVar's aggregate classification.
Comment: The VWF c.3944G>A; p.Arg1315His variant (rs61749396) is reported in the literature in multiple individuals affected with Von Willebrand disease types 1, 2m and 3 (Elayaperumal 2018, Goodeve 2007, Veyradier 2016). This variant is also reported in ClinVar (Variation ID: 100311) and is found in the general population with an overall allele frequency of 0.002% (6/250,994 alleles) in the Genome Aggregation Database. Additionally, other amino acid substitutions at this codon (Cys, Gly, Leu, Pro) have been reported in individuals with VWF and are considered disease causative (Elayaperumal 2018, Goodeve 2007, Veyradier 2016). Computational analyses predict that this variant is deleterious (REVEL: 0.815). Based on available information, this variant is considered to be likely pathogenic. References: Elayaperumal S et al. Type-3 von Willebrand disease in India-Clinical spectrum and molecular profile. Haemophilia. 2018 Nov;24(6):930-940. PMID: 29984440. Goodeve A et al. Phenotype and genotype of a cohort of families historically diagnosed with type 1 von Willebrand disease in the European study, Molecular and Clinical Markers for the Diagnosis and Management of Type 1 von Willebrand Disease (MCMDM-1VWD). Blood. 2007 Jan 1;109(1):112-21. PMID: 16985174. Veyradier A et al. A Laboratory Phenotype/Genotype Correlation of 1167 French Patients From 670 Families With von Willebrand Disease: A New Epidemiologic Picture. Medicine (Baltimore). 2016 Mar;95(11):e3038. PMID: 26986123.

Ambry Genetics
Classification: Pathogenic for Inborn genetic diseases. Last evaluated: 2024-06-14. Review status: criteria provided, single submitter. Criteria: Ambry Variant Classification Scheme 2023. Collection method: clinical testing. Allele origin: germline. Not counted in ClinVar's aggregate classification.
Comment: The c.3944G>A (p.R1315H) alteration is located in exon 28 (coding exon 27) of the VWF gene. This alteration results from a G to A substitution at nucleotide position 3944, causing the arginine (R) at amino acid position 1315 to be replaced by a histidine (H). for autosomal dominant, autosomal recessive Von Willebrand disease; however, its clinical significance for autosomal dominant von Willebrand disease Type 2B is uncertain Based on data from gnomAD, the A allele has an overall frequency of 0.002% (6/250994) total alleles studied. The highest observed frequency was 0.016% (1/6124) of Other alleles. This variant has been identified in the heterozygous state or in conjunction with other VWF variants in individuals with features consistent with various forms of von Willebrand disease; in at least one instance, the variants were identified in trans (&Aacute;lvarez-Laderas, 2015; Fidalgo, 2017; Elayaperumal, 2018). Two other alterations at the same codon, c.3943C>T (p.R1315C) and c.3944G>T (p.R1315L), have been detected in multiple individuals with autosomal dominant/autosomal recessive loss of function von Willebrand disease forms (Baronciani, 2006; Elayaperumal, 2018). This amino acid position is well conserved in available vertebrate species. Based on internal structural analysis, R1315H is deleterious. The variant is moderately destabilizing to the local structure. The variant is not on an interface. The variant has no nearby pathogenic variants and has no nearby benign variants (Ribba, 2001; Ambry internal data). This alteration is predicted to be deleterious by in silico analysis. Based on the available evidence, this alteration is classified as pathogenic.

Blueprint Genetics
Classification: Likely pathogenic for VWF-related disorders. Last evaluated: 2023-04-03. Review status: criteria provided, single submitter. Criteria: ACMG Guidelines, 2015. Collection method: clinical testing. Allele origin: germline. Affected: yes. Observed: 4 variant alleles. Not counted in ClinVar's aggregate classification.

Genetics and Molecular Pathology, SA Pathology
Classification: Likely pathogenic for von Willebrand disease type 2. Last evaluated: 2019-07-26. Review status: criteria provided, single submitter. Criteria: ACMG Guidelines, 2015. Collection method: clinical testing. Allele origin: germline. Inheritance: Autosomal unknown. Affected: yes. Not counted in ClinVar's aggregate classification.

Zotz-Klimas Genetics Lab, MVZ Zotz Klimas
Classification: Likely pathogenic for von Willebrand disease type 1. Last evaluated: 2023-10-09. Review status: no assertion criteria provided. Collection method: clinical testing. Allele origin: germline. Affected: yes. Not counted in ClinVar's aggregate classification.

Academic Unit of Haematology, University of Sheffield
No classification provided. Review status: no classification provided. Collection method: not provided. Allele origin: not provided. Not counted in ClinVar's aggregate classification.

Literature cited by the submitters: PubMed 16985174 (cited by Women's Health and Genetics/Laboratory Corporation of America, LabCorp and Quest Diagnostics Nichols Institute San Juan Capistrano); PubMed 26988807 (cited by Women's Health and Genetics/Laboratory Corporation of America, LabCorp and Quest Diagnostics Nichols Institute San Juan Capistrano); PubMed 29984440 (cited by 4 submitters); PubMed 17090649 (cited by Women's Health and Genetics/Laboratory Corporation of America, LabCorp and Quest Diagnostics Nichols Institute San Juan Capistrano); PubMed 18315556 (cited by Quest Diagnostics Nichols Institute San Juan Capistrano); PubMed 18647226 (cited by Quest Diagnostics Nichols Institute San Juan Capistrano); PubMed 34426522 (cited by Quest Diagnostics Nichols Institute San Juan Capistrano); PubMed 25689060 (cited by 3 submitters); PubMed 26986123 (cited by 3 submitters); PubMed 38534782 (cited by Quest Diagnostics Nichols Institute San Juan Capistrano); PubMed 19453940 (cited by Quest Diagnostics Nichols Institute San Juan Capistrano); PubMed 37647632 (cited by Quest Diagnostics Nichols Institute San Juan Capistrano); PubMed 37845247 (cited by Quest Diagnostics Nichols Institute San Juan Capistrano); PubMed 28083987 (cited by 3 submitters); PubMed 20301765 (cited by New York Genome Center); PubMed 2698880 (cited by New York Genome Center); PubMed 11159522 (cited by Ambry Genetics); PubMed 16961623 (cited by Ambry Genetics).